The following is an entry in ClinVar:

NM_152564.5(VPS13B):c.7568_7569delinsAA (p.Phe2523Ter)

Gene: VPS13B (vacuolar protein sorting 13 homolog B; plus strand). Cytogenetic location: 8q22.2.
Variant type: Indel.
Coding change: c.7568_7569delinsAA on transcript NM_152564.5 (MANE Select); coding-DNA positions 7568 to 7569, TC replaced by AA.
Protein change: p.Phe2523Ter; replaces phenylalanine 2523 with a stop codon.
Molecular consequence: nonsense.
Genome position (GRCh38, 1-based): chr8:99,778,820-99,778,821, TC replaced by AA. VCF-style: chr8-99778820-TC-AA. GRCh37 (hg19) VCF-style: chr8-100791048-TC-AA.
Other names: c.7643_7644delinsAA, p.Phe2548Ter (NM_017890.5); short protein forms F2548*, F2523*.
Identifiers: ClinVar variation 2136690 (VCV002136690.4), dbSNP rs2491842520, ClinGen allele CA2580079185.

ClinVar aggregate classification (germline): Pathogenic (1 of 4 stars; one submission).

Conditions:
Cohen syndrome (COH1). Also called: PEPPER SYNDROME; Cutis verticis gyrata, retinitis pigmentosa, and sensorineural deafness. Identifiers: Orphanet 193, MedGen C0265223, MONDO:0008999, OMIM 216550.

Submission:

Labcorp Genetics (formerly Invitae), Labcorp
Classification: Pathogenic for Cohen syndrome. Last evaluated: 2022-05-01. Review status: criteria provided, single submitter. Criteria: Invitae Variant Classification Sherloc (09022015). Collection method: clinical testing. Allele origin: germline.
Comment: For these reasons, this variant has been classified as Pathogenic. This variant is also known as c.7643_7644delTCinsAA. This premature translational stop signal has been observed in individual(s) with Cohen syndrome (PMID: 23188044). This variant is present in population databases (no rsID available, gnomAD 0.1%). This sequence change creates a premature translational stop signal (p.Phe2548*) in the VPS13B gene. It is expected to result in an absent or disrupted protein product. Loss-of-function variants in VPS13B are known to be pathogenic (PMID: 15141358, 16648375, 20461111).

Literature cited by the submitters: PubMed 23188044; PubMed 15141358; PubMed 16648375; PubMed 20461111.